The following is an entry in ClinVar:

ClinVar aggregate classification (germline): Pathogenic/Likely pathogenic. Review status: criteria provided, multiple submitters, no conflicts (2 of 4 stars). 2 submissions from 2 submitters: Pathogenic (1); Likely pathogenic (1). Last evaluated 2026-03-03.

Conditions:
Gaucher disease. Also called: Acute cerebral Gaucher disease; Cerebroside lipidosis syndrome; Gaucher splenomegaly; Sphingolipidosis 1; Glucocerebrosidosis; Glucosylceramidase deficiency. Identifiers: Orphanet 355, MedGen C0017205, MONDO:0018150.

Allele frequency attached by ClinVar (database versions not stated): ExAC 0.00001.

Submissions (2):

Women's Health and Genetics/Laboratory Corporation of America, LabCorp
Classification: Pathogenic for Gaucher disease. Last evaluated: 2026-03-03. Review status: criteria provided, single submitter. Criteria: LabCorp Variant Classification Summary - May 2015. Collection method: clinical testing. Allele origin: germline.
Comment: Variant summary: GBA1 c.847T>C (p.Tyr283His) results in a conservative amino acid change located in the Glycosyl hydrolase family 30, TIM-barrel domain (IPR033453) of the encoded protein sequence. Algorithms developed to predict the effect of missense changes on protein structure and function are either unavailable or do not agree on the potential impact of this missense change. The variant was absent in 251210 control chromosomes. c.847T>C has been observed in multiple individuals affected with Gaucher Disease (Hruska_2008, Silva Garcia_2021, Curado_2023). These data indicate that the variant is very likely to be associated with disease. To our knowledge, no experimental evidence demonstrating an impact on protein function has been reported. The following publications have been ascertained in the context of this evaluation (PMID: 37685353, 18338393, 34134921). ClinVar contains an entry for this variant (Variation ID: 2501093). Based on the evidence outlined above, the variant was classified as pathogenic.

Natera, Inc.
Classification: Likely pathogenic for Gaucher disease. Last evaluated: 2025-08-10. Review status: criteria provided, single submitter. Criteria: Natera Variant Classification Schema (03/2026). Collection method: clinical testing. Allele origin: germline.
Comment: The c.847T>C variant in GBA1 is a missense variant predicted to cause substitution of tyrosine to histidine at amino acid 283. This variant is rare in the general population with a frequency below the threshold expected for the associated phenotype(s). This variant has been observed in one or more individuals affected with the associated recessive disease, as either homozygous or compound heterozygous with a second variant (PMID: 34134921, 37685353). Computational prediction algorithms indicate this variant is likely to affect gene or protein function. Given the available evidence, this variant is classified as Likely Pathogenic.

Literature cited by the submitters: PubMed 18338393 (cited by Women's Health and Genetics/Laboratory Corporation of America, LabCorp); PubMed 34134921 (cited by Women's Health and Genetics/Laboratory Corporation of America, LabCorp and Natera, Inc.); PubMed 37685353 (cited by Women's Health and Genetics/Laboratory Corporation of America, LabCorp and Natera, Inc.).

NM_000157.4(GBA1):c.847T>C (p.Tyr283His)

Genes: GBA1 (glucosylceramidase beta 1; minus strand), LOC106627981 (GBA recombination region; plus strand). Cytogenetic location: 1q22.
Variant type: single nucleotide variant.
Coding change: c.847T>C on transcript NM_000157.4 (MANE Select); coding-DNA position 847, T replaced by C.
Protein change: p.Tyr283His; replaces tyrosine 283 with histidine.
Molecular consequence: missense variant.
Genome position (GRCh38, 1-based): chr1:155,237,493, A>G on the plus strand (T>C on the coding strand, the complement: GBA1 is on the minus strand). VCF-style: chr1-155237493-A-G. GRCh37 (hg19) VCF-style: chr1-155207284-A-G.
Other names: c.847T>C (NM_000157.3); c.586T>C, p.Tyr196His (NM_001171811.2); c.700T>C, p.Tyr234His (NM_001171812.2); c.847T>C, p.Tyr283His (NM_001005741.3, NM_001005742.3); short protein forms Y196H, Y234H, Y283H.
Identifiers: ClinVar variation 2501093 (VCV002501093.3), dbSNP rs750777791, ClinGen allele CA1141668.
Genomic context (GRCh38, chr1:155,237,493, plus strand): 5'-GGTCACGGGCAATGAAGTCTCGCTGATGTTCAGGGGTGAAGCCCAGGCACTGGAAGGGGT[A>G]TCCACTCAACAGCCCAGCAGAAGGCTCATTTTCAGCTGTCACTGCCCAGAACTGTAACTT-3'
Protein context (NP_000148.2, residues 273-293): NEPSAGLLSG[Tyr283His]PFQCLGFTPE